The following is an entry in ClinVar:

ClinVar aggregate classification (germline): Pathogenic (1 of 4 stars; one submission).

Submission:

Labcorp Genetics (formerly Invitae), Labcorp
Classification: Pathogenic. Last evaluated: 2019-10-19. Review status: criteria provided, single submitter. Criteria: Invitae Variant Classification Sherloc (09022015). Collection method: clinical testing. Allele origin: germline.
Comment: For these reasons, this variant has been classified as Pathogenic. Loss-of-function variants in EYS are known to be pathogenic (PMID: 18836446, 20333770). This variant has not been reported in the literature in individuals with EYS-related conditions. This variant is not present in population databases (ExAC no frequency). This sequence change creates a premature translational stop signal (p.Cys202*) in the EYS gene. It is expected to result in an absent or disrupted protein product.

Literature cited by the submitters: PubMed 18836446; PubMed 20333770.

NM_001142800.2(EYS):c.606C>A (p.Cys202Ter)

Gene: EYS (EGF-like photoreceptor maintenance factor; minus strand). Cytogenetic location: 6q12.
Variant type: single nucleotide variant.
Coding change: c.606C>A on transcript NM_001142800.2 (MANE Select); coding-DNA position 606, C replaced by A.
Protein change: p.Cys202Ter; replaces cysteine 202 with a stop codon.
Molecular consequence: nonsense.
Genome position (GRCh38, 1-based): chr6:65,494,805, G>T on the plus strand (C>A on the coding strand, the complement: EYS is on the minus strand). VCF-style: chr6-65494805-G-T. GRCh37 (hg19) VCF-style: chr6-66204698-G-T.
Other names: c.606C>A, p.Cys202Ter (NM_001142801.2, NM_001292009.2, NM_198283.2); short protein forms C202*.
Identifiers: ClinVar variation 934419 (VCV000934419.7), dbSNP rs149741810, ClinGen allele CA364789543.